The following is an entry in ClinVar:

ClinVar aggregate classification (germline): Uncertain significance (1 of 4 stars; one submission).

Submission:

Labcorp Genetics (formerly Invitae), Labcorp
Classification: Uncertain significance. Last evaluated: 2021-12-11. Review status: criteria provided, single submitter. Criteria: Invitae Variant Classification Sherloc (09022015). Collection method: clinical testing. Allele origin: germline.
Comment: Algorithms developed to predict the effect of sequence changes on RNA splicing suggest that this variant may disrupt the consensus splice site. In summary, the available evidence is currently insufficient to determine the role of this variant in disease. Therefore, it has been classified as a Variant of Uncertain Significance. This variant has not been reported in the literature in individuals affected with SLC25A12-related conditions. This variant is not present in population databases (gnomAD no frequency). This sequence change falls in intron 12 of the SLC25A12 gene. It does not directly change the encoded amino acid sequence of the SLC25A12 protein.

NM_003705.5(SLC25A12):c.1225-5A>G

Gene: SLC25A12 (solute carrier family 25 member 12; minus strand). Cytogenetic location: 2q31.1.
Variant type: single nucleotide variant.
Coding change: c.1225-5A>G on transcript NM_003705.5 (MANE Select); 5 bases into the intron before coding-DNA position 1225, A replaced by G.
Molecular consequence: intron variant.
Genome position (GRCh38, 1-based): chr2:171,809,691, T>C on the plus strand (A>G on the coding strand, the complement: SLC25A12 is on the minus strand). VCF-style: chr2-171809691-T-C. GRCh37 (hg19) VCF-style: chr2-172666201-T-C.
Identifiers: ClinVar variation 2040051 (VCV002040051.4), dbSNP rs2545182887, ClinGen allele CA2580064508.